The following is an entry in ClinVar:

ClinVar aggregate classification (germline): Uncertain significance (1 of 4 stars; one submission).

Conditions:
Carnitine palmitoyl transferase 1A deficiency. Also called: CPT I DEFICIENCY; CPT DEFICIENCY, HEPATIC, TYPE I; CPT deficiency, hepatic, type IA; Carnitine palmitoyltransferase 1A deficiency; Carnitine palmitoyltransferase type I deficiency. Identifiers: Orphanet 156, MedGen C1829703, MONDO:0009705, OMIM 255120.

gnomAD v4.1: 41 of 1,612,394 alleles (0.0025%); highest among the groups gnomAD compares: East Asian, 0.0045%; no homozygotes.

Submission:

Labcorp Genetics (formerly Invitae), Labcorp
Classification: Uncertain significance for Carnitine palmitoyl transferase 1A deficiency. Last evaluated: 2024-02-14. Review status: criteria provided, single submitter. Criteria: Invitae Variant Classification Sherloc (09022015). Collection method: clinical testing. Allele origin: germline.
Comment: This sequence change replaces proline, which is neutral and non-polar, with leucine, which is neutral and non-polar, at codon 523 of the CPT1A protein (p.Pro523Leu). This variant is present in population databases (rs758459084, gnomAD 0.006%). This variant has not been reported in the literature in individuals affected with CPT1A-related conditions. ClinVar contains an entry for this variant (Variation ID: 2142299). Advanced modeling of protein sequence and biophysical properties (such as structural, functional, and spatial information, amino acid conservation, physicochemical variation, residue mobility, and thermodynamic stability) has been performed at Invitae for this missense variant, however the output from this modeling did not meet the statistical confidence thresholds required to predict the impact of this variant on CPT1A protein function. In summary, the available evidence is currently insufficient to determine the role of this variant in disease. Therefore, it has been classified as a Variant of Uncertain Significance.

NM_001876.4(CPT1A):c.1568C>T (p.Pro523Leu)

Gene: CPT1A (carnitine palmitoyltransferase 1A; minus strand). Cytogenetic location: 11q13.3.
Variant type: single nucleotide variant.
Coding change: c.1568C>T on transcript NM_001876.4 (MANE Select); coding-DNA position 1568, C replaced by T.
Protein change: p.Pro523Leu; replaces proline 523 with leucine.
Molecular consequence: missense variant.
Genome position (GRCh38, 1-based): chr11:68,775,323, G>A on the plus strand (C>T on the coding strand, the complement: CPT1A is on the minus strand). VCF-style: chr11-68775323-G-A. GRCh37 (hg19) VCF-style: chr11-68542791-G-A.
Other names: c.1568C>T, p.Pro523Leu (NM_001031847.3); short protein forms P523L.
Identifiers: ClinVar variation 2142299 (VCV002142299.3), dbSNP rs758459084, ClinGen allele CA6152274.